The following is an entry in ClinVar:

NM_054012.4(ASS1):c.1025A>G (p.Gln342Arg)

Gene: ASS1 (argininosuccinate synthase 1; plus strand). Cytogenetic location: 9q34.11.
Variant type: single nucleotide variant.
Coding change: c.1025A>G on transcript NM_054012.4 (MANE Select); coding-DNA position 1025, A replaced by G.
Protein change: p.Gln342Arg; replaces glutamine 342 with arginine.
Molecular consequence: missense variant.
Genome position (GRCh38, 1-based): chr9:130,494,921, A>G. VCF-style: chr9-130494921-A-G. GRCh37 (hg19) VCF-style: chr9-133370308-A-G.
Other names: c.1025A>G, p.Gln342Arg (NM_000050.4); short protein forms Q342R.
Identifiers: ClinVar variation 458670 (VCV000458670.7), dbSNP rs1554725061, ClinGen allele CA375231897.
Genomic context (GRCh38, chr9:130,494,921, plus strand): 5'-CTGTAGGTTTCTGGCACAGCCCTGAGTGTGAATTTGTCCGCCACTGCATCGCCAAGTCCC[A>G]GGAGCGAGTGGAAGGGAAAGTGCAGGTGTCCGTCCTCAAGGGCCAGGTGTACATCCTCGG-3'
Protein context (NP_446464.1, residues 332-352): EFVRHCIAKS[Gln342Arg]ERVEGKVQVS

ClinVar aggregate classification (germline): Uncertain significance (1 of 4 stars; one submission).

Conditions:
Citrullinemia. Identifiers: Orphanet 187, MedGen C0175683, MONDO:0015991.

Allele frequency attached by ClinVar (database versions not stated): gnomAD exomes below 0.00001.
gnomAD v4.1: 1 of 1,613,596 alleles (0.000062%); highest among the groups gnomAD compares: Non-Finnish European, 0.000085%; no homozygotes.

Submission:

Labcorp Genetics (formerly Invitae), Labcorp
Classification: Uncertain significance for Citrullinemia. Last evaluated: 2021-09-01. Review status: criteria provided, single submitter. Criteria: Invitae Variant Classification Sherloc (09022015). Collection method: clinical testing. Allele origin: germline.
Comment: This sequence change replaces glutamine with arginine at codon 342 of the ASS1 protein (p.Gln342Arg). The glutamine residue is moderately conserved and there is a small physicochemical difference between glutamine and arginine. This variant is not present in population databases (ExAC no frequency). This variant has not been reported in the literature in individuals affected with ASS1-related conditions. Algorithms developed to predict the effect of missense changes on protein structure and function are either unavailable or do not agree on the potential impact of this missense change (SIFT: "Deleterious"; PolyPhen-2: "Probably Damaging"; Align-GVGD: "Class C0"). In summary, the available evidence is currently insufficient to determine the role of this variant in disease. Therefore, it has been classified as a Variant of Uncertain Significance.